The following is an entry in ClinVar:

ClinVar aggregate classification (germline): Uncertain significance (1 of 4 stars; one submission).

Conditions:
Inborn genetic diseases. Identifiers: MedGen C0950123, MeSH D030342.

Submission:

Ambry Genetics
Classification: Uncertain significance for Inborn genetic diseases. Last evaluated: 2025-02-16. Review status: criteria provided, single submitter. Criteria: Ambry Variant Classification Scheme 2023. Collection method: clinical testing. Allele origin: germline.
Comment: The p.T613I variant (also known as c.1838C>T), located in coding exon 13 of the ASXL1 gene, results from a C to T substitution at nucleotide position 1838. The threonine at codon 613 is replaced by isoleucine, an amino acid with similar properties. This amino acid position is conserved. In addition, this alteration is predicted to be deleterious by in silico analysis. Based on the available evidence, the clinical significance of this variant remains unclear.

NM_015338.6(ASXL1):c.1838C>T (p.Thr613Ile)

Gene: ASXL1 (ASXL transcriptional regulator 1; plus strand). Cytogenetic location: 20q11.21.
Variant type: single nucleotide variant.
Coding change: c.1838C>T on transcript NM_015338.6 (MANE Select); coding-DNA position 1838, C replaced by T.
Protein change: p.Thr613Ile; replaces threonine 613 with isoleucine.
Molecular consequence: missense variant.
Genome position (GRCh38, 1-based): chr20:32,434,550, C>T. VCF-style: chr20-32434550-C-T. GRCh37 (hg19) VCF-style: chr20-31022353-C-T.
Other names: c.1655C>T, p.Thr552Ile (NM_001363734.1); short protein forms T613I, T552I.
Identifiers: ClinVar variation 3793584 (VCV003793584.1).